The following is an entry in ClinVar:

ClinVar aggregate classification (germline): Likely pathogenic (1 of 4 stars; one submission).

Conditions:
Hereditary breast ovarian cancer syndrome. Also called: BRCA1- and BRCA2-Associated Hereditary Breast and Ovarian Cancer; Hereditary breast and ovarian cancer syndrome; Hereditary breast and ovarian cancer syndrome (HBOC); Hereditary breast and/or ovarian cancer syndrome; Breast and ovarian cancer; Hereditary breast and ovarian cancer. Identifiers: Orphanet 145, MedGen C0677776, MeSH D061325, MONDO:0003582. Disease mechanism: loss of function.

Submission:

Labcorp Genetics (formerly Invitae), Labcorp
Classification: Likely pathogenic for Hereditary breast ovarian cancer syndrome. Last evaluated: 2025-12-30. Review status: criteria provided, single submitter. Criteria: Invitae Variant Classification Sherloc (09022015). Collection method: clinical testing. Allele origin: germline.
Comment: This variant occurs in a non-coding region of the BRCA2 gene. It does not change the encoded amino acid sequence of the BRCA2 protein. It affects a nucleotide within the consensus splice site. This variant is not present in population databases (gnomAD no frequency). Disruption of this splice site has been observed in individual(s) with clinical features of Fanconi anemia (PMID: 24395671, 38685107). In at least one individual the data is consistent with being in trans (on the opposite chromosome) from a pathogenic variant. ClinVar contains an entry for this variant (Variation ID: 2738444). Algorithms developed to predict the effect of variants on gene product structure and function are not available or were not evaluated for this variant. Experimental studies have shown that disruption of this splice site affects BRCA2 function (PMID: 24395671). Variants that disrupt the consensus splice site are a relatively common cause of aberrant splicing (PMID: 17576681, 9536098). Studies have shown that disruption of this splice site is associated with altered splicing resulting in alteration to a non-coding region of the gene (PMID: 24395671). In summary, the currently available evidence indicates that the variant is pathogenic, but additional data are needed to prove that conclusively. Therefore, this variant has been classified as Likely Pathogenic.

Literature cited by the submitters: PubMed 24395671; PubMed 38685107; PubMed 17576681; PubMed 9536098.

NM_000059.4(BRCA2):c.-40+2T>A

Genes: BRCA2 (BRCA2 DNA repair associated; plus strand), LOC106721785 (BRCA2 promoter/silencer region; plus strand). Cytogenetic location: 13q13.1.
Variant type: single nucleotide variant.
Coding change: c.-40+2T>A on transcript NM_000059.4 (MANE Select); the canonical splice donor site of the intron after 40 bases upstream of the start codon, T replaced by A.
Molecular consequence: splice donor variant.
Genome position (GRCh38, 1-based): chr13:32,315,669, T>A. VCF-style: chr13-32315669-T-A. GRCh37 (hg19) VCF-style: chr13-32889806-T-A.
Other names: c.-40+2T>A (NM_001406720.1, NM_001406719.1, NM_001406721.1); c.-303+2T>A (NM_001406722.1).
Identifiers: ClinVar variation 2738444 (VCV002738444.3), dbSNP rs1593879845, ClinGen allele CA2697551708.